The following is an entry in ClinVar:

ClinVar aggregate classification (germline): Benign/Likely benign. Review status: criteria provided, single submitter (1 of 4 stars). 2 submissions from 1 submitter: Benign (1); Likely benign (1). Last evaluated 2018-01-13.

Conditions:
Autosomal recessive nonsyndromic hearing loss 37. Identifiers: Orphanet 90636, MedGen C1843028, MONDO:0011912, OMIM 607821.
Autosomal dominant nonsyndromic hearing loss 22. Also called: Autosomal dominant nonsyndromic deafness 22; DFNA 22. Identifiers: Orphanet 228012, MedGen C2931767, MONDO:0011660, OMIM 606346.

Allele frequency attached by ClinVar (database versions not stated): gnomAD 0.01198 and 0.01285; TOPMed 0.01294; 1000 Genomes Project 0.01418; 1000 Genomes Project 30x 0.01499.

Submissions (2):

Illumina Laboratory Services, Illumina
Classification: Likely benign for Autosomal recessive nonsyndromic hearing loss 37. Last evaluated: 2018-01-13. Review status: criteria provided, single submitter. Criteria: ICSL Variant Classification Criteria 13 December 2019. Collection method: clinical testing. Allele origin: germline.
Comment: This variant was observed in the ICSL laboratory as part of a predisposition screen in an ostensibly healthy population. It had not been previously curated by ICSL or reported in the Human Gene Mutation Database (HGMD: prior to June 1st, 2018), and was therefore a candidate for classification through an automated scoring system. Utilizing variant allele frequency, disease prevalence and penetrance estimates, and inheritance mode, an automated score was calculated to assess if this variant is too frequent to cause the disease. Based on the score and internal cut-off values, a variant classified as likely benign is not then subjected to further curation. The score for this variant resulted in a classification of likely benign for this disease.

Illumina Laboratory Services, Illumina
Classification: Benign for Autosomal dominant nonsyndromic hearing loss 22. Last evaluated: 2018-01-13. Review status: criteria provided, single submitter. Criteria: ICSL Variant Classification Criteria 13 December 2019. Collection method: clinical testing. Allele origin: germline.
Comment: This variant was observed in the ICSL laboratory as part of a predisposition screen in an ostensibly healthy population. It had not been previously curated by ICSL or reported in the Human Gene Mutation Database (HGMD: prior to June 1st, 2018), and was therefore a candidate for classification through an automated scoring system. Utilizing variant allele frequency, disease prevalence and penetrance estimates, and inheritance mode, an automated score was calculated to assess if this variant is too frequent to cause the disease. Based on the score and internal cut-off values, a variant classified as benign is not then subjected to further curation. The score for this variant resulted in a classification of benign for this disease.

NM_004999.4(MYO6):c.*1469G>T

Gene: MYO6 (myosin VI; plus strand). Cytogenetic location: 6q14.1.
Variant type: single nucleotide variant.
Coding change: c.*1469G>T on transcript NM_004999.4 (MANE Select); 1469 bases downstream of the stop codon, G replaced by T.
Molecular consequence: 3 prime UTR variant. On other transcripts: non-coding transcript variant (1).
Genome position (GRCh38, 1-based): chr6:75,916,481, G>T. VCF-style: chr6-75916481-G-T. GRCh37 (hg19) VCF-style: chr6-76626198-G-T.
Other names: c.*1469G>T (NM_001300899.2, NM_001368136.1, NM_001368137.1 and 3 more transcripts).
Identifiers: ClinVar variation 358015 (VCV000358015.5), dbSNP rs74367845, ClinGen allele CA10624653.
Genomic context (GRCh38, chr6:75,916,481, plus strand): 5'-TTTATTATGATACATTCAAATGATTGTCAAGTTAAATTAAATGGTTGTGTCTGTGCTATT[G>T]AGAATGCAAATGTGATTATCTTTTGAAGGCTGTATTACTGCATAGCTTCACCCACCCTCG-3'